The following is an entry in ClinVar:

ClinVar aggregate classification (germline): Conflicting classifications of pathogenicity. Review status: criteria provided, conflicting classifications (1 of 4 stars). 4 submissions from 4 submitters: Uncertain significance (2); Likely benign (1). 1 of the submissions does not count toward it. Last evaluated 2025-06-12.

Conditions:
Axenfeld-Rieger syndrome type 3 (RIEG3). Also called: AXENFELD-RIEGER ANOMALY WITH CARDIAC DEFECTS AND/OR SENSORINEURAL HEARING LOSS. Identifiers: Orphanet 782, MedGen C2678503, MONDO:0011233, OMIM 602482.
FOXC1-related disorder. Also called: FOXC1-related condition.

Submissions (4):

Labcorp Genetics (formerly Invitae), Labcorp
Classification: Uncertain significance for Axenfeld-Rieger syndrome type 3. Last evaluated: 2025-06-12. Review status: criteria provided, single submitter. Criteria: Invitae Variant Classification Sherloc (09022015). Collection method: clinical testing. Allele origin: germline.
Comment: This variant, c.1139_1141del, results in the deletion of 1 amino acid(s) of the FOXC1 protein (p.Gly380del), but otherwise preserves the integrity of the reading frame. The frequency data for this variant in the population databases is considered unreliable, as metrics indicate poor data quality at this position in the gnomAD database. This variant has not been reported in the literature in individuals affected with FOXC1-related conditions. Experimental studies and prediction algorithms are not available or were not evaluated, and the functional significance of this variant is currently unknown. In summary, the available evidence is currently insufficient to determine the role of this variant in disease. Therefore, it has been classified as a Variant of Uncertain Significance.

Blueprint Genetics
Classification: Likely benign. Last evaluated: 2024-10-23. Review status: criteria provided, single submitter. Criteria: ACMG Guidelines, 2015. Collection method: clinical testing. Allele origin: germline.

CeGaT Center for Human Genetics Tuebingen
Classification: Uncertain significance. Last evaluated: 2018-06-01. Review status: criteria provided, single submitter. Criteria: CeGaT Center For Human Genetics Tuebingen Variant Classification Criteria Version 2. Collection method: clinical testing. Allele origin: germline. Affected: yes. Observed: 1 variant allele.

PreventionGenetics, part of Exact Sciences
Classification: Likely benign for FOXC1-related condition. Last evaluated: 2023-08-16. Review status: no assertion criteria provided. Collection method: clinical testing. Allele origin: germline. Not counted in ClinVar's aggregate classification.
Comment: This variant is classified as likely benign based on ACMG/AMP sequence variant interpretation guidelines (Richards et al. 2015 PMID: 25741868, with internal and published modifications).

NM_001453.3(FOXC1):c.1124GCG[5] (p.Gly380del)

Gene: FOXC1 (forkhead box C1; plus strand). Cytogenetic location: 6p25.3.
Variant type: Microsatellite.
Coding change: c.1124GCG[5] on transcript NM_001453.3 (MANE Select); five copies in a row of the 3-base unit GCG starting at c.1124; the reference has six copies in a row; one copy, 3 bases deleted.
Protein change: p.Gly380del; deletes glycine 380.
Molecular consequence: inframe deletion.
Genome position (GRCh38, 1-based): chr6:1,611,584-1,611,586, GCG deleted; deleting any 3 consecutive bases within chr6:1,611,568-1,611,586 gives the same sequence; the position shown is the placement nearest the transcript's 3' end. VCF-style (leftmost placement, unchanged base first): chr6-1611567-GGGC-G. GRCh37 (hg19) VCF-style: chr6-1611802-GGGC-G.
Other names: c.1139_1141delGCG (NM_001453.2); short protein forms G380del.
Identifiers: ClinVar variation 810726 (VCV000810726.49), dbSNP rs76840944, ClinGen allele CA3614870.
Genomic context (GRCh38, chr6:1,611,567, plus strand): 5'-GCCCGGCCAGAGCTCCCTCTACAGCTCCCCCTGCAGCCAGACCTCCAGCGCGGGCAGCTC[GGGC>G]GGCGGCGGCGGCGGCGCGGGGGCCGCGGGGGGCGCGGGCGGCGCCGGGACCTACCACTGC-3'